The following is an entry in ClinVar:

NM_001277115.2(DNAH11):c.12889C>T (p.Arg4297Trp)

Gene: DNAH11 (dynein axonemal heavy chain 11; plus strand). Cytogenetic location: 7p15.3.
Variant type: single nucleotide variant.
Coding change: c.12889C>T on transcript NM_001277115.2 (MANE Select); coding-DNA position 12889, C replaced by T.
Protein change: p.Arg4297Trp; replaces arginine 4297 with tryptophan.
Molecular consequence: missense variant.
Genome position (GRCh38, 1-based): chr7:21,894,761, C>T. VCF-style: chr7-21894761-C-T. GRCh37 (hg19) VCF-style: chr7-21934379-C-T.
Other names: NM_001277115.2:c.12889C>T; short protein forms R4297W.
Identifiers: ClinVar variation 3684640 (VCV003684640.3).

ClinVar aggregate classification (germline): Uncertain significance. Review status: criteria provided, multiple submitters, no conflicts (2 of 4 stars). 2 submissions from 2 submitters: Uncertain significance (2). Last evaluated 2025-02-20.

Conditions:
Primary ciliary dyskinesia. Also called: Ciliary dyskinesia. Identifiers: Orphanet 244, MedGen C0008780, MONDO:0016575, HP:0012265.
Primary ciliary dyskinesia 7. Also called: CILIARY DYSKINESIA, PRIMARY, 7, WITH OR WITHOUT SITUS INVERSUS. Identifiers: Orphanet 244, MedGen C2678473, MONDO:0012748, OMIM 611884.

gnomAD v4.1: 3 of 1,612,234 alleles (0.00019%); highest among the groups gnomAD compares: East Asian, 0.0022%; no homozygotes.

Submissions (2):

Broad Center for Mendelian Genomics, Broad Institute of MIT and Harvard
Classification: Uncertain significance for Primary ciliary dyskinesia 7. Last evaluated: 2025-02-20. Review status: criteria provided, single submitter. Criteria: ACMG Guidelines, 2015. Collection method: curation. Allele origin: germline. Inheritance: Autosomal recessive inheritance.
Comment: The p.Arg4297Trp variant in DNAH11 has been reported in 1 individual with primary ciliary dyskinesia (PMID: 29363216), and has been identified in 0.002% (1/44880) of East Asian chromosomes by the Genome Aggregation Database (gnomAD; dbSNP ID: rs1029162490). Although this variant has been seen in the general population in a heterozygous state, its frequency is low enough to be consistent with a recessive carrier frequency. Computational prediction tools, including splice predictors, and conservation analyses suggest that this variant may not impact the protein, though this information is not predictive enough to rule out pathogenicity. In summary, the clinical significance of the p.Arg4297Trp variant is uncertain. ACMG/AMP Criteria applied: BP4, PM2_supporting (Richards 2015).

Labcorp Genetics (formerly Invitae), Labcorp
Classification: Uncertain significance for Primary ciliary dyskinesia. Last evaluated: 2024-10-12. Review status: criteria provided, single submitter. Criteria: Invitae Variant Classification Sherloc (09022015). Collection method: clinical testing. Allele origin: germline.
Comment: This sequence change replaces arginine, which is basic and polar, with tryptophan, which is neutral and slightly polar, at codon 4297 of the DNAH11 protein (p.Arg4297Trp). This variant is not present in population databases (gnomAD no frequency). This missense change has been observed in individual(s) with primary ciliary dyskinesia (PMID: 29363216). Invitae Evidence Modeling of protein sequence and biophysical properties (such as structural, functional, and spatial information, amino acid conservation, physicochemical variation, residue mobility, and thermodynamic stability) indicates that this missense variant is not expected to disrupt DNAH11 protein function with a negative predictive value of 95%. In summary, the available evidence is currently insufficient to determine the role of this variant in disease. Therefore, it has been classified as a Variant of Uncertain Significance.

Literature cited by the submitters: PubMed 29363216 (cited by Labcorp Genetics (formerly Invitae), Labcorp).